The following is an entry in ClinVar:

NM_001007237.3(IGSF3):c.2698G>A (p.Val900Met)

Gene: IGSF3 (immunoglobulin superfamily member 3; minus strand). Cytogenetic location: 1p13.1.
Variant type: single nucleotide variant.
Coding change: c.2698G>A on transcript NM_001007237.3 (MANE Select); coding-DNA position 2698, G replaced by A.
Protein change: p.Val900Met; replaces valine 900 with methionine.
Molecular consequence: missense variant.
Genome position (GRCh38, 1-based): chr1:116,584,795, C>T on the plus strand (G>A on the coding strand, the complement: IGSF3 is on the minus strand). VCF-style: chr1-116584795-C-T. GRCh37 (hg19) VCF-style: chr1-117127417-C-T.
Other names: c.2758G>A, p.Val920Met (NM_001542.4); short protein forms V920M, V900M.
Identifiers: ClinVar variation 402968 (VCV000402968.5), dbSNP rs41301291, ClinGen allele CA1026198.
Genomic context (GRCh38, chr1:116,584,795, plus strand): 5'-CATGGCAGCTGTAGGTCCCGCTGTCCTGCACAGCCACGTTCTGGATGAAGAGACGGTACA[C>T]GCCGGGGGAAGGACTCTCCAAATGCAGCCGCCCCTTCAGATTGTTCTTGGCTGCCTGCTC-3'
Protein context (NP_001007238.1, residues 890-910): RLHLESPSPG[Val900Met]YRLFIQNVAV

ClinVar aggregate classification (germline): Benign. Review status: criteria provided, multiple submitters, no conflicts (2 of 4 stars). 2 submissions from 2 submitters: Benign (2). Last evaluated 2016-03-28.

Allele frequency attached by ClinVar (database versions not stated): 1000 Genomes Project 30x 0.00531; 1000 Genomes Project 0.00619; TOPMed 0.01256; gnomAD 0.01359 and 0.01392; ESP Exome Variant Server 0.01392; gnomAD exomes 0.01542 and 0.01636; ExAC 0.01595.
gnomAD v4.1: 24,836 of 1,614,228 alleles (1.5%); highest among the groups gnomAD compares: Middle Eastern, 5%; 267 homozygotes.

Submissions (2):

Laboratory for Molecular Medicine, Mass General Brigham Personalized Medicine
Classification: Benign. Last evaluated: 2016-03-28. Review status: criteria provided, single submitter. Criteria: LMM Criteria. Collection method: clinical testing. Allele origin: germline.
Comment: Variant identified in a genome or exome case(s) and assessed due to predicted null impact of the variant or pathogenic assertions in the literature or databases. Disclaimer: This variant has not undergone full assessment. The following are preliminary notes: Frequency

Breakthrough Genomics
Classification: Benign. Review status: criteria provided, single submitter. Criteria: ACMG Guidelines, 2015. Collection method: not provided. Allele origin: germline. Inheritance: Autosomal recessive inheritance. Affected: yes.